The following is an entry in ClinVar:

NM_001039141.3(TRIOBP):c.3975G>A (p.Gln1325=)

Gene: TRIOBP (TRIO and F-actin binding protein; plus strand). Cytogenetic location: 22q13.1.
Variant type: single nucleotide variant.
Coding change: c.3975G>A on transcript NM_001039141.3 (MANE Select); coding-DNA position 3975, G replaced by A.
Protein change: p.Gln1325=; no amino-acid change (glutamine 1325 retained).
Molecular consequence: synonymous variant.
Genome position (GRCh38, 1-based): chr22:37,733,325, G>A. VCF-style: chr22-37733325-G-A. GRCh37 (hg19) VCF-style: chr22-38129332-G-A.
Other names: p.Gln1325=.
Identifiers: ClinVar variation 43851 (VCV000043851.18), dbSNP rs7284476, ClinGen allele CA133026.
Genomic context (GRCh38, chr22:37,733,325, plus strand): 5'-GTCCCTCAGAGGAGTGGCTGCATTTGCTCATAGGAAGTCCGAGGCAGCGGGGGCCTTCCA[G>A]GCCCAGGACGAGGGACGGTCACAGCAGCCCAGCCAAGGCCAGAGCCAACTTCTCCGAAGA-3'
Protein context (NP_001034230.1, residues 1315-1335): RRKSEAAGAF[Gln1325=]AQDEGRSQQP

ClinVar aggregate classification (germline): Benign. Review status: criteria provided, multiple submitters, no conflicts (2 of 4 stars). 7 submissions from 7 submitters: Benign (7). Last evaluated 2026-02-04.

Conditions:
Autosomal recessive nonsyndromic hearing loss 28. Identifiers: Orphanet 90636, MedGen C1853276, MONDO:0012355, OMIM 609823.

Allele frequency attached by ClinVar (database versions not stated): 1000 Genomes Project 0.33726; ESP Exome Variant Server 0.35026; TOPMed 0.35029; 1000 Genomes Project 30x 0.33307; gnomAD 0.35508 and 0.35823; ExAC 0.38979; gnomAD exomes 0.39461 and 0.43317.
gnomAD v4.1: 659,100 of 1,550,746 alleles (43%); highest among the groups gnomAD compares: East Asian, 56%; 144,271 homozygotes.

Submissions (7):

Labcorp Genetics (formerly Invitae), Labcorp
Classification: Benign. Last evaluated: 2026-02-04. Review status: criteria provided, single submitter. Criteria: Invitae Variant Classification Sherloc (09022015). Collection method: clinical testing. Allele origin: germline.

Genome-Nilou Lab
Classification: Benign for Autosomal recessive nonsyndromic hearing loss 28. Last evaluated: 2021-09-10. Review status: criteria provided, single submitter. Criteria: ACMG Guidelines, 2015. Collection method: clinical testing. Allele origin: germline. Affected: no.

Mayo Clinic Laboratories, Mayo Clinic
Classification: Benign. Last evaluated: 2020-07-02. Review status: criteria provided, single submitter. Criteria: ACMG Guidelines, 2015. Collection method: clinical testing. Allele origin: germline. Observed: 101 variant alleles.

GeneDx
Classification: Benign. Last evaluated: 2017-05-09. Review status: criteria provided, single submitter. Criteria: GeneDx Variant Classification (06012015). Collection method: clinical testing. Allele origin: germline. Affected: yes.
Comment: This variant is considered likely benign or benign based on one or more of the following criteria: it is a conservative change, it occurs at a poorly conserved position in the protein, it is predicted to be benign by multiple in silico algorithms, and/or has population frequency not consistent with disease.

Laboratory for Molecular Medicine, Mass General Brigham Personalized Medicine
Classification: Benign. Last evaluated: 2012-05-07. Review status: criteria provided, single submitter. Criteria: LMM Criteria. Collection method: clinical testing. Allele origin: germline. Observed: 1,033 variant alleles.
Comment: "Gln1325Gln in Exon 08 of TRIOBP: This variant is not expected to have clinical significance because it does not alter an amino acid residue, is not located wit hin the splice consensus sequence, and has been identified in 43.7% (2800/6406) of European American chromosomes from a broad population by the NHLBI Exome Sequ encing Project (dbSNP rs7284476)."

Breakthrough Genomics
Classification: Benign. Review status: criteria provided, single submitter. Criteria: ACMG Guidelines, 2015. Collection method: not provided. Allele origin: germline. Inheritance: Autosomal recessive inheritance. Affected: yes.

PreventionGenetics, part of Exact Sciences
Classification: Benign. Review status: criteria provided, single submitter. Criteria: ACMG Guidelines, 2015. Collection method: clinical testing. Allele origin: germline.